The following is an entry in ClinVar:

NM_002972.4(SBF1):c.3281C>T (p.Ser1094Leu)

Gene: SBF1 (SET binding factor 1; minus strand). Cytogenetic location: 22q13.33.
Variant type: single nucleotide variant.
Coding change: c.3281C>T on transcript NM_002972.4 (MANE Select); coding-DNA position 3281, C replaced by T.
Protein change: p.Ser1094Leu; replaces serine 1094 with leucine.
Molecular consequence: missense variant.
Genome position (GRCh38, 1-based): chr22:50,460,274, G>A on the plus strand (C>T on the coding strand, the complement: SBF1 is on the minus strand). VCF-style: chr22-50460274-G-A. GRCh37 (hg19) VCF-style: chr22-50898703-G-A.
Other names: c.3284C>T, p.Ser1095Leu (NM_001365819.1, NM_001410794.1); c.3281C>T, p.Ser1094Leu (NM_001410795.1, NM_197971.1); short protein forms S1095L, S1094L.
Identifiers: ClinVar variation 1910378 (VCV001910378.5), dbSNP rs2521916364, ClinGen allele CA412206462.

ClinVar aggregate classification (germline): Uncertain significance (1 of 4 stars; one submission).

Submission:

Labcorp Genetics (formerly Invitae), Labcorp
Classification: Uncertain significance. Last evaluated: 2022-08-20. Review status: criteria provided, single submitter. Criteria: Invitae Variant Classification Sherloc (09022015). Collection method: clinical testing. Allele origin: germline.
Comment: In summary, the available evidence is currently insufficient to determine the role of this variant in disease. Therefore, it has been classified as a Variant of Uncertain Significance. Algorithms developed to predict the effect of sequence changes on RNA splicing suggest that this variant may disrupt the consensus splice site. Algorithms developed to predict the effect of missense changes on protein structure and function are either unavailable or do not agree on the potential impact of this missense change (SIFT: "Deleterious"; PolyPhen-2: "Probably Damaging"; Align-GVGD: "Class C0"). This variant has not been reported in the literature in individuals affected with SBF1-related conditions. This variant is not present in population databases (gnomAD no frequency). This sequence change replaces serine, which is neutral and polar, with leucine, which is neutral and non-polar, at codon 1094 of the SBF1 protein (p.Ser1094Leu).